The following is an entry in ClinVar:

ClinVar aggregate classification (germline): Uncertain significance. Review status: criteria provided, multiple submitters, no conflicts (2 of 4 stars). 2 submissions from 2 submitters: Uncertain significance (2). Last evaluated 2025-07-30.

Conditions:
Hereditary cancer-predisposing syndrome. Also called: Neoplastic Syndromes, Hereditary; Tumor predisposition; Hereditary Cancer Syndrome; Hereditary neoplastic syndrome. Identifiers: Orphanet 140162, MedGen C0027672, MeSH D009386, MONDO:0015356.
Cardiovascular phenotype. Identifiers: MedGen CN230736.

Allele frequency attached by ClinVar (database versions not stated): gnomAD 0.00001.

Submissions (2):

Labcorp Genetics (formerly Invitae), Labcorp
Classification: Uncertain significance. Last evaluated: 2025-07-30. Review status: criteria provided, single submitter. Criteria: Invitae Variant Classification Sherloc (09022015). Collection method: clinical testing. Allele origin: germline.
Comment: This variant, c.1869_1871del, results in the deletion of 1 amino acid(s) of the LZTR1 protein (p.Leu624del), but otherwise preserves the integrity of the reading frame. This variant is not present in population databases (gnomAD no frequency). This variant has not been reported in the literature in individuals affected with LZTR1-related conditions. ClinVar contains an entry for this variant (Variation ID: 1781608). Experimental studies and prediction algorithms are not available or were not evaluated, and the functional significance of this variant is currently unknown. In summary, the available evidence is currently insufficient to determine the role of this variant in disease. Therefore, it has been classified as a Variant of Uncertain Significance.

Ambry Genetics
Classification: Uncertain significance for Cardiovascular phenotype; Hereditary cancer-predisposing syndrome. Last evaluated: 2021-04-23. Review status: criteria provided, single submitter. Criteria: Ambry Variant Classification Scheme 2023. Collection method: clinical testing. Allele origin: germline.
Comment: The c.1869_1871delACT variant (also known as p.L624del) is located in coding exon 16 of the LZTR1 gene. This variant results from an in-frame ACT deletion at nucleotide positions 1869 to 1871. This results in the in-frame deletion of a leucine at codon 624. This amino acid position is highly conserved in available vertebrate species. In addition, this alteration is predicted to be deleterious by in silico analysis (Choi Y et al. PLoS ONE. 2012; 7(10):e46688). Since supporting evidence is limited at this time, the clinical significance of this alteration remains unclear.

NM_006767.4(LZTR1):c.1869_1871del (p.Leu624del)

Gene: LZTR1 (leucine zipper like post translational regulator 1; plus strand). Cytogenetic location: 22q11.21.
Variant type: Deletion.
Coding change: c.1869_1871del on transcript NM_006767.4 (MANE Select); coding-DNA positions 1869 to 1871, 3 bases deleted (ACT; older notation c.1869_1871delACT).
Protein change: p.Leu624del; deletes leucine 624.
Molecular consequence: inframe deletion.
Genome position (GRCh38, 1-based): chr22:20,994,953-20,994,955, ACT deleted. VCF-style (leftmost placement, unchanged base first): chr22-20994952-CACT-C. GRCh37 (hg19) VCF-style: chr22-21349241-CACT-C.
Other names: short protein forms L624del.
Identifiers: ClinVar variation 1781608 (VCV001781608.5), dbSNP rs1924775447, ClinGen allele CA1024231409.